The following is an entry in ClinVar:

ClinVar aggregate classification (germline): Likely benign. Review status: criteria provided, multiple submitters, no conflicts (2 of 4 stars). 4 submissions from 4 submitters: Likely benign (3). 1 of the submissions does not count toward it. Last evaluated 2023-02-01.

Conditions:
RBM28-related disorder. Also called: RBM28-related condition.

Allele frequency attached by ClinVar (database versions not stated): TOPMed 0.00183; gnomAD 0.00193 and 0.00183; ExAC 0.00204; gnomAD exomes 0.00205 and 0.00323; ESP Exome Variant Server 0.00223; 1000 Genomes Project 30x 0.00016; 1000 Genomes Project 0.00020.

Submissions (4):

CeGaT Center for Human Genetics Tuebingen
Classification: Likely benign. Last evaluated: 2023-02-01. Review status: criteria provided, single submitter. Criteria: CeGaT Center For Human Genetics Tuebingen Variant Classification Criteria Version 2. Collection method: clinical testing. Allele origin: germline. Affected: yes. Observed: 1 variant allele.
Comment: RBM28: BP4

Labcorp Genetics (formerly Invitae), Labcorp
Classification: Likely benign. Last evaluated: 2019-12-31. Review status: criteria provided, single submitter. Criteria: Invitae Variant Classification Sherloc (09022015). Collection method: clinical testing. Allele origin: germline.

Breakthrough Genomics
Classification: Likely benign. Review status: criteria provided, single submitter. Criteria: ACMG Guidelines, 2015. Collection method: not provided. Allele origin: germline. Inheritance: Autosomal recessive inheritance. Affected: yes.

PreventionGenetics, part of Exact Sciences
Classification: Likely benign for RBM28-related condition. Last evaluated: 2019-10-21. Review status: no assertion criteria provided. Collection method: clinical testing. Allele origin: germline. Not counted in ClinVar's aggregate classification.
Comment: This variant is classified as likely benign based on ACMG/AMP sequence variant interpretation guidelines (Richards et al. 2015 PMID: 25741868, with internal and published modifications).

NM_018077.3(RBM28):c.1552C>T (p.Arg518Cys)

Gene: RBM28 (RNA binding motif protein 28; minus strand). Cytogenetic location: 7q32.1.
Variant type: single nucleotide variant.
Coding change: c.1552C>T on transcript NM_018077.3 (MANE Select); coding-DNA position 1552, C replaced by T.
Protein change: p.Arg518Cys; replaces arginine 518 with cysteine.
Molecular consequence: missense variant.
Genome position (GRCh38, 1-based): chr7:128,321,277, G>A on the plus strand (C>T on the coding strand, the complement: RBM28 is on the minus strand). VCF-style: chr7-128321277-G-A. GRCh37 (hg19) VCF-style: chr7-127961330-G-A.
Other names: c.1129C>T, p.Arg377Cys (NM_001166135.2); short protein forms R518C, R377C.
Identifiers: ClinVar variation 711708 (VCV000711708.30), dbSNP rs138112810, ClinGen allele CA4469964.